The following is an entry in ClinVar:

NM_001042492.3(NF1):c.1571A>G (p.Glu524Gly)

Gene: NF1 (neurofibromin 1; plus strand). Cytogenetic location: 17q11.2.
Variant type: single nucleotide variant.
Coding change: c.1571A>G on transcript NM_001042492.3 (MANE Select); coding-DNA position 1571, A replaced by G.
Protein change: p.Glu524Gly; replaces glutamic acid 524 with glycine.
Molecular consequence: missense variant.
Genome position (GRCh38, 1-based): chr17:31,219,048, A>G. VCF-style: chr17-31219048-A-G. GRCh37 (hg19) VCF-style: chr17-29546066-A-G.
Other names: c.1571A>G, p.Glu524Gly (NM_000267.4, NM_001128147.3); short protein forms E524G.
Identifiers: ClinVar variation 2825612 (VCV002825612.3), dbSNP rs2544840535, ClinGen allele CA399001905.

ClinVar aggregate classification (germline): Uncertain significance (1 of 4 stars; one submission).

Conditions:
Neurofibromatosis, type 1 (NF1). Also called: VON RECKLINGHAUSEN DISEASE; Peripheral type neurofibromatosis; Neurofibromatosis, type I; NEUROFIBROMATOSIS, TYPE I, SOMATIC. Identifiers: Orphanet 636, MedGen C0027831, MONDO:0018975, OMIM 162200. Disease mechanism: loss of function.

Submission:

Labcorp Genetics (formerly Invitae), Labcorp
Classification: Uncertain significance for Neurofibromatosis, type 1. Last evaluated: 2024-01-02. Review status: criteria provided, single submitter. Criteria: Invitae Variant Classification Sherloc (09022015). Collection method: clinical testing. Allele origin: germline.
Comment: This sequence change replaces glutamic acid, which is acidic and polar, with glycine, which is neutral and non-polar, at codon 524 of the NF1 protein (p.Glu524Gly). This variant is not present in population databases (gnomAD no frequency). This variant has not been reported in the literature in individuals affected with NF1-related conditions. Advanced modeling of protein sequence and biophysical properties (such as structural, functional, and spatial information, amino acid conservation, physicochemical variation, residue mobility, and thermodynamic stability) has been performed at Invitae for this missense variant, however the output from this modeling did not meet the statistical confidence thresholds required to predict the impact of this variant on NF1 protein function. In summary, the available evidence is currently insufficient to determine the role of this variant in disease. Therefore, it has been classified as a Variant of Uncertain Significance.